The following is an entry in ClinVar:

ClinVar aggregate classification (germline): Uncertain significance (1 of 4 stars; one submission).

Conditions:
Paroxysmal nonkinesigenic dyskinesia. Also called: Paroxysmal non-kinesigenic dyskinesia. Identifiers: Orphanet 98810, MedGen C1869117, MONDO:0700088.

Allele frequency attached by ClinVar (database versions not stated): TOPMed 0.00001.

Submission:

Labcorp Genetics (formerly Invitae), Labcorp
Classification: Uncertain significance for Paroxysmal nonkinesigenic dyskinesia. Last evaluated: 2024-10-31. Review status: criteria provided, single submitter. Criteria: Invitae Variant Classification Sherloc (09022015). Collection method: clinical testing. Allele origin: germline.
Comment: This sequence change replaces arginine, which is basic and polar, with glycine, which is neutral and non-polar, at codon 16 of the PNKD protein (p.Arg16Gly). This variant is not present in population databases (gnomAD no frequency). This variant has not been reported in the literature in individuals affected with PNKD-related conditions. ClinVar contains an entry for this variant (Variation ID: 1377758). An algorithm developed to predict the effect of missense changes on protein structure and function (PolyPhen-2) suggests that this variant is likely to be tolerated. Experimental studies have shown that this missense change affects PNKD function (PMID: 21487022). Algorithms developed to predict the effect of sequence changes on RNA splicing suggest that this variant may disrupt the consensus splice site. In summary, the available evidence is currently insufficient to determine the role of this variant in disease. Therefore, it has been classified as a Variant of Uncertain Significance.

Literature cited by the submitters: PubMed 21487022.

NM_015488.5(PNKD):c.46A>G (p.Arg16Gly)

Genes: PNKD (PNKD metallo-beta-lactamase domain containing; plus strand), LOC129935594 (ATAC-STARR-seq lymphoblastoid active region 17117; plus strand). Cytogenetic location: 2q35.
Variant type: single nucleotide variant.
Coding change: c.46A>G on transcript NM_015488.5 (MANE Select); coding-DNA position 46, A replaced by G.
Protein change: p.Arg16Gly; replaces arginine 16 with glycine.
Molecular consequence: missense variant.
Genome position (GRCh38, 1-based): chr2:218,270,581, A>G. VCF-style: chr2-218270581-A-G. GRCh37 (hg19) VCF-style: chr2-219135304-A-G.
Other names: c.46A>G, p.Arg16Gly (NM_001077399.3); short protein forms R16G.
Identifiers: ClinVar variation 1377758 (VCV001377758.8), dbSNP rs934430255, ClinGen allele CA65747235.